The following is an entry in ClinVar:

NM_004655.4(AXIN2):c.2033T>C (p.Leu678Pro)

Gene: AXIN2 (axin 2; minus strand). Cytogenetic location: 17q24.1.
Variant type: single nucleotide variant.
Coding change: c.2033T>C on transcript NM_004655.4 (MANE Select); coding-DNA position 2033, T replaced by C.
Protein change: p.Leu678Pro; replaces leucine 678 with proline.
Molecular consequence: missense variant.
Genome position (GRCh38, 1-based): chr17:65,536,428, A>G on the plus strand (T>C on the coding strand, the complement: AXIN2 is on the minus strand). VCF-style: chr17-65536428-A-G. GRCh37 (hg19) VCF-style: chr17-63532546-A-G.
Other names: c.2033T>C (LRG_296t1); c.1838T>C, p.Leu613Pro (NM_001363813.1); short protein forms L678P, L613P.
Identifiers: ClinVar variation 408811 (VCV000408811.15), dbSNP rs368798367, ClinGen allele CA8718423.

ClinVar aggregate classification (germline): Conflicting classifications of pathogenicity. Review status: criteria provided, conflicting classifications (1 of 4 stars). 4 submissions from 4 submitters: Uncertain significance (3); Likely benign (1). Last evaluated 2026-01-30.

Conditions:
Hereditary cancer-predisposing syndrome. Also called: Hereditary Cancer Syndrome; Hereditary neoplastic syndrome; Neoplastic Syndromes, Hereditary; Tumor predisposition. Identifiers: Orphanet 140162, MedGen C0027672, MeSH D009386, MONDO:0015356.
Oligodontia-cancer predisposition syndrome. Also called: TOOTH AGENESIS-COLORECTAL CANCER SYNDROME. Identifiers: Orphanet 300576, MedGen C1837750, MONDO:0012075, OMIM 608615. Disease mechanism: loss of function.

Allele frequency attached by ClinVar (database versions not stated): gnomAD exomes below 0.00001 and 0.00001; ExAC 0.00001; gnomAD 0.00001; TOPMed 0.00001; ESP Exome Variant Server 0.00015.
gnomAD v4.1: 7 of 1,613,632 alleles (0.00043%); highest among the groups gnomAD compares: Non-Finnish European, 0.00059%; no homozygotes.

Submissions (4):

Labcorp Genetics (formerly Invitae), Labcorp
Classification: Uncertain significance for Oligodontia-cancer predisposition syndrome. Last evaluated: 2026-01-30. Review status: criteria provided, single submitter. Criteria: Invitae Variant Classification Sherloc (09022015). Collection method: clinical testing. Allele origin: germline.
Comment: This sequence change replaces leucine, which is neutral and non-polar, with proline, which is neutral and non-polar, at codon 678 of the AXIN2 protein (p.Leu678Pro). This variant is present in population databases (rs368798367, gnomAD 0.0009%). This variant has not been reported in the literature in individuals affected with AXIN2-related conditions. ClinVar contains an entry for this variant (Variation ID: 408811). Invitae Evidence Modeling of protein sequence and biophysical properties (such as structural, functional, and spatial information, amino acid conservation, physicochemical variation, residue mobility, and thermodynamic stability) indicates that this missense variant is not expected to disrupt AXIN2 protein function with a negative predictive value of 80%. In summary, the available evidence is currently insufficient to determine the role of this variant in disease. Therefore, it has been classified as a Variant of Uncertain Significance.

Center for Genomic Medicine, Rigshospitalet, Copenhagen University Hospital
Classification: Uncertain significance. Last evaluated: 2025-03-04. Review status: criteria provided, single submitter. Criteria: ACMG Guidelines, 2015. Collection method: clinical testing. Allele origin: germline.

GeneDx
Classification: Uncertain significance. Last evaluated: 2021-07-16. Review status: criteria provided, single submitter. Criteria: GeneDx Variant Classification Process June 2021. Collection method: clinical testing. Allele origin: germline. Affected: yes.
Comment: Not observed at significant frequency in large population cohorts (Lek et al., 2016); In silico analysis, which includes protein predictors and evolutionary conservation, supports that this variant does not alter protein structure/function; Has not been previously published as pathogenic or benign to our knowledge; This variant is associated with the following publications: (PMID: 27535533)

Ambry Genetics
Classification: Likely benign for Hereditary cancer-predisposing syndrome. Last evaluated: 2020-08-17. Review status: criteria provided, single submitter. Criteria: Ambry Variant Classification Scheme 2023. Collection method: clinical testing. Allele origin: germline.